The following is an entry in ClinVar:

ClinVar aggregate classification (germline): Uncertain significance (1 of 4 stars; one submission).

Conditions:
Hereditary cancer-predisposing syndrome. Also called: Neoplastic Syndromes, Hereditary; Tumor predisposition; Hereditary Cancer Syndrome; Hereditary neoplastic syndrome. Identifiers: Orphanet 140162, MedGen C0027672, MeSH D009386, MONDO:0015356.

Submission:

Ambry Genetics
Classification: Uncertain significance for Hereditary cancer-predisposing syndrome. Last evaluated: 2026-03-24. Review status: criteria provided, single submitter. Criteria: Ambry Variant Classification Scheme 2023. Collection method: clinical testing. Allele origin: germline.
Comment: The c.1323+5G>A intronic variant results from a G to A substitution 5 nucleotides after coding exon 13 in the MUTYH gene. This nucleotide position is well conserved in available vertebrate species. In silico splice site analysis predicts that this alteration will not have any significant effect on splicing. Based on the available evidence, the clinical significance of this variant remains unclear.

NM_001048174.2(MUTYH):c.1239+5G>A

Gene: MUTYH (mutY DNA glycosylase; minus strand). Cytogenetic location: 1p34.1.
Variant type: single nucleotide variant.
Coding change: c.1239+5G>A on transcript NM_001048174.2 (MANE Select); 5 bases into the intron after coding-DNA position 1239, G replaced by A.
Molecular consequence: intron variant.
Genome position (GRCh38, 1-based): chr1:45,331,415, C>T on the plus strand (G>A on the coding strand, the complement: MUTYH is on the minus strand). VCF-style: chr1-45331415-C-T. GRCh37 (hg19) VCF-style: chr1-45797087-C-T.
Other names: c.1239+5G>A (NM_001407072.1, NM_001407073.1, NM_001048171.2 and 6 more transcripts); c.894+5G>A (NM_001350651.2, NM_001350650.2, NM_001407082.1); c.963+5G>A (NM_001293192.2, NM_001293196.2, NM_001407091.1); c.1284+5G>A (NM_001293190.2); c.1272+5G>A (NM_001407069.1, NM_001407077.1, NM_001293191.2); c.1314+5G>A (NM_012222.3); c.1323+5G>A (NM_001128425.2); c.1242+5G>A (NM_001407071.1, NM_001048172.2, NM_001407078.1 and 1 more transcripts); and 5 more.
Identifiers: ClinVar variation 4860476 (VCV004860476.1).